The following is an entry in ClinVar:

NM_014363.6(SACS):c.12710_12713del (p.Val4237fs)

Gene: SACS (sacsin molecular chaperone; minus strand). Cytogenetic location: 13q12.12.
Variant type: Deletion.
Coding change: c.12710_12713del on transcript NM_014363.6 (MANE Select); coding-DNA positions 12710 to 12713, 4 bases deleted (TTAG; older notation c.12710_12713delTTAG).
Protein change: p.Val4237fs; shifts the reading frame from valine 4237.
Molecular consequence: frameshift variant.
Genome position (GRCh38, 1-based): chr13:23,331,163-23,331,166, CTAA deleted on the plus strand (TTAG on the coding strand, the reverse complement: SACS is on the minus strand); deleting any 4 consecutive bases within chr13:23,331,163-23,331,169 gives the same sequence; the c. name uses the placement nearest the transcript's 3' end. VCF-style (leftmost placement, unchanged base first): chr13-23331162-GCTAA-G. GRCh37 (hg19) VCF-style: chr13-23905301-GCTAA-G.
Other names: c.12269_12272del, p.Val4090fs (NM_001278055.2); short protein forms V4090fs, V4237fs.
Identifiers: ClinVar variation 2097043 (VCV002097043.4), dbSNP rs1236699656, ClinGen allele CA608985211.
Genomic context (GRCh38, chr13:23,331,162, plus strand): 5'-AGCACTGTCCCTGCTTTGAGAGCTTTCCTCAGGTCTTGAAAACTTATACAGATCAAGAGA[GCTAA>G]CTATTTTATATTCACTATAACCAATATCTATCTGATATATCTTTCCTAGAAAACTAGAAT-3'

ClinVar aggregate classification (germline): Pathogenic (1 of 4 stars; one submission).

Conditions:
Spastic paraplegia. Identifiers: MedGen C0037772, HP:0001258.

Submission:

Labcorp Genetics (formerly Invitae), Labcorp
Classification: Pathogenic for Spastic paraplegia. Last evaluated: 2022-02-12. Review status: criteria provided, single submitter. Criteria: Invitae Variant Classification Sherloc (09022015). Collection method: clinical testing. Allele origin: germline.
Comment: This sequence change creates a premature translational stop signal (p.Val4237Alafs*36) in the SACS gene. While this is not anticipated to result in nonsense mediated decay, it is expected to disrupt the last 343 amino acid(s) of the SACS protein. This variant is present in population databases (no rsID available, gnomAD 0.0009%). This variant has not been reported in the literature in individuals affected with SACS-related conditions. This variant disrupts a region of the SACS protein in which other variant(s) (p.Tyr4538*) have been determined to be pathogenic (PMID: 15156359, 21507954). This suggests that this is a clinically significant region of the protein, and that variants that disrupt it are likely to be disease-causing. For these reasons, this variant has been classified as Pathogenic.

Literature cited by the submitters: PubMed 15156359; PubMed 21507954.